The following is an entry in ClinVar:

NM_014244.5(ADAMTS2):c.70_71insTG (p.Pro24fs)

Gene: ADAMTS2 (ADAM metallopeptidase with thrombospondin type 1 motif 2; minus strand). Cytogenetic location: 5q35.3.
Variant type: Insertion.
Coding change: c.70_71insTG on transcript NM_014244.5 (MANE Select); coding-DNA positions 70 to 71, TG inserted.
Protein change: p.Pro24fs; shifts the reading frame from proline 24.
Molecular consequence: frameshift variant.
Genome position: GRCh38 VCF-style: chr5-179345258-G-GCA. GRCh37 (hg19) VCF-style: chr5-178772259-G-GCA.
Other names: c.70_71insTG, p.Pro24fs (NM_021599.4); short protein forms P24fs.
Identifiers: ClinVar variation 5011196 (VCV005011196.1).

ClinVar aggregate classification (germline): Pathogenic (1 of 4 stars; one submission).

Conditions:
Ehlers-Danlos syndrome, dermatosparaxis type. Also called: EDS VIIC; Dermatosparaxis; Ehlers-Danlos syndrome, type VII, autosomal recessive. Identifiers: Orphanet 1901, MedGen C2700425, MONDO:0009161, OMIM 225410.

Submission:

Myriad Genetics, Inc.
Classification: Pathogenic for Ehlers-Danlos syndrome, dermatosparaxis type. Last evaluated: 2024-05-14. Review status: criteria provided, single submitter. Criteria: Myriad Autosomal Dominant, Autosomal Recessive and X-Linked Classification Criteria (2023). Collection method: clinical testing. Allele origin: unknown.
Comment: NM_014244.4(ADAMTS2):c.70_71insTG(P24Lfs*142) is expected to be pathogenic in the context of Ehlers-Danlos syndrome, ADAMTS2-related. This variant is predicted to lead to an abnormal or absent protein product due to the creation of a premature termination codon in ADAMTS2, a gene where loss-of-function variants are known to be pathogenic. Please note: this variant was assessed in the context of healthy population screening.